The following is an entry in ClinVar:

NM_000444.6(PHEX):c.2057T>C (p.Leu686Pro)

Genes: PHEX (phosphate regulating endopeptidase X-linked; plus strand), PTCHD1-AS (PTCHD1 and PHEX antisense RNA; minus strand). Cytogenetic location: Xp22.11.
Variant type: single nucleotide variant.
Coding change: c.2057T>C on transcript NM_000444.6 (MANE Select); coding-DNA position 2057, T replaced by C.
Protein change: p.Leu686Pro; replaces leucine 686 with proline.
Molecular consequence: missense variant. On other transcripts: non-coding transcript variant (1).
Genome position (GRCh38, 1-based): chrX:22,227,598, T>C. VCF-style: chrX-22227598-T-C. GRCh37 (hg19) VCF-style: chrX-22245715-T-C.
Other names: c.2057T>C, p.Leu686Pro (NM_001282754.2); short protein forms L686P.
Identifiers: ClinVar variation 947209 (VCV000947209.9), dbSNP rs1935552635, ClinGen allele CA412574484.

ClinVar aggregate classification (germline): Uncertain significance (1 of 4 stars; one submission).

Submission:

Labcorp Genetics (formerly Invitae), Labcorp
Classification: Uncertain significance. Last evaluated: 2019-06-10. Review status: criteria provided, single submitter. Criteria: Invitae Variant Classification Sherloc (09022015). Collection method: clinical testing. Allele origin: germline.
Comment: In summary, the available evidence is currently insufficient to determine the role of this variant in disease. Therefore, it has been classified as a Variant of Uncertain Significance. Algorithms developed to predict the effect of missense changes on protein structure and function are either unavailable or do not agree on the potential impact of this missense change (SIFT: "Deleterious"; PolyPhen-2: "Possibly Damaging"; Align-GVGD: "Class C15"). This variant has not been reported in the literature in individuals with PHEX-related conditions. This variant is not present in population databases (ExAC no frequency). This sequence change replaces leucine with proline at codon 686 of the PHEX protein (p.Leu686Pro). The leucine residue is highly conserved and there is a moderate physicochemical difference between leucine and proline.